The following is an entry in ClinVar:

NM_004369.4(COL6A3):c.6369G>A (p.Leu2123=)

Gene: COL6A3 (collagen type VI alpha 3 chain; minus strand). Cytogenetic location: 2q37.3.
Variant type: single nucleotide variant.
Coding change: c.6369G>A on transcript NM_004369.4 (MANE Select); coding-DNA position 6369, G replaced by A.
Protein change: p.Leu2123=; no amino-acid change (leucine 2123 retained).
Molecular consequence: synonymous variant.
Genome position (GRCh38, 1-based): chr2:237,359,074, C>T on the plus strand (G>A on the coding strand, the complement: COL6A3 is on the minus strand). VCF-style: chr2-237359074-C-T. GRCh37 (hg19) VCF-style: chr2-238267717-C-T.
Other names: p.Leu2123=; c.4548G>A, p.Leu1516= (NM_057166.5); c.5751G>A, p.Leu1917= (NM_057167.4).
Identifiers: ClinVar variation 94962 (VCV000094962.33), dbSNP rs2646254, ClinGen allele CA147992.
Genomic context (GRCh38, chr2:237,359,074, plus strand): 5'-CCACCGTGGAAATACACCTACCCTTCTTCCAGGATTCCCTTTCTCTCCAGAAGAACCAGG[C>T]AATCCTTTGTCTCCCTGCCAAAGACAAGGATTAAAGGTCACACCTGCTGCAATTTCTATC-3'
Protein context (NP_004360.2, residues 2113-2133): GLDGEDGDKG[Leu2123=]PGSSGEKGNP

ClinVar aggregate classification (germline): Benign/Likely benign. Review status: criteria provided, multiple submitters, no conflicts (2 of 4 stars). 16 submissions from 14 submitters: Benign (13); Likely benign (1). 2 of the submissions do not count toward it. Last evaluated 2026-02-04.

Conditions:
Ullrich congenital muscular dystrophy 1A. Also called: Intermediate COL6-RD; Ullrich congenital muscular dystrophy 1. Identifiers: Orphanet 75840, MedGen C0410179, MONDO:0009681, OMIM 254090.
Dystonia 27 (DYT27). Identifiers: Orphanet 464440, MedGen C4225336, MONDO:0014627, OMIM 616411.
Collagen 6-related myopathy. Identifiers: MedGen CN117976, MONDO:0100225.
Bethlem myopathy 1A. Also called: MYOPATHY, BENIGN CONGENITAL, WITH CONTRACTURES; Bethlem Muscular Dystrophy; Bethlem myopathy 1. Identifiers: Orphanet 610, MedGen CN029274, MONDO:0024530, OMIM 158810.

Allele frequency attached by ClinVar (database versions not stated): gnomAD exomes 0.16375 and 0.21347; ExAC 0.21289; ESP Exome Variant Server 0.24919; gnomAD 0.25463 and 0.25503; TOPMed 0.27349; 1000 Genomes Project 0.33087; 1000 Genomes Project 30x 0.33635.
gnomAD v4.1: 279,254 of 1,612,952 alleles (17%); highest among the groups gnomAD compares: African/African-American, 48%; 30,488 homozygotes.

Submissions (16):

Labcorp Genetics (formerly Invitae), Labcorp
Classification: Benign for Bethlem myopathy 1A. Last evaluated: 2026-02-04. Review status: criteria provided, single submitter. Criteria: Invitae Variant Classification Sherloc (09022015). Collection method: clinical testing. Allele origin: germline.

Blueprint Genetics
Classification: Likely benign. Last evaluated: 2024-11-26. Review status: criteria provided, single submitter. Criteria: ACMG Guidelines, 2015. Collection method: clinical testing. Allele origin: germline.

Unidad de Genómica Garrahan, Hospital de Pediatría Garrahan
Classification: Benign. Last evaluated: 2024-07-31. Review status: criteria provided, single submitter. Criteria: ACMG Guidelines, 2015. Collection method: clinical testing. Allele origin: germline. Affected: no. Observed: 46 variant alleles.
Comment: This variant is classified as Benign based on local population frequency. This variant was detected in 49% of patients studied in a panel designed for Epileptic and Developmental Encephalopathy, Progressive Myoclonus Epilepsy and Abnormal Movements and Neurodegeneration with brain iron accumulation. Number of patients: 46. Only high quality variants are reported.

Genome-Nilou Lab
Classification: Benign for Bethlem myopathy 1A. Last evaluated: 2021-07-30. Review status: criteria provided, single submitter. Criteria: ACMG Guidelines, 2015. Collection method: clinical testing. Allele origin: germline. Affected: no.

Genome-Nilou Lab
Classification: Benign for Dystonia 27. Last evaluated: 2021-07-30. Review status: criteria provided, single submitter. Criteria: ACMG Guidelines, 2015. Collection method: clinical testing. Allele origin: germline. Affected: no.

Genome-Nilou Lab
Classification: Benign for Ullrich congenital muscular dystrophy 1A. Last evaluated: 2021-07-30. Review status: criteria provided, single submitter. Criteria: ACMG Guidelines, 2015. Collection method: clinical testing. Allele origin: germline. Affected: no.

Athena Diagnostics
Classification: Benign. Last evaluated: 2021-06-25. Review status: criteria provided, single submitter. Criteria: Athena Diagnostics Criteria. Collection method: clinical testing. Allele origin: unknown.

Illumina Laboratory Services, Illumina
Classification: Benign for Collagen VI-related myopathy. Last evaluated: 2018-01-13. Review status: criteria provided, single submitter. Criteria: ICSL Variant Classification Criteria 13 December 2019. Collection method: clinical testing. Allele origin: germline.
Comment: This variant was observed in the ICSL laboratory as part of a predisposition screen in an ostensibly healthy population. It had not been previously curated by ICSL or reported in the Human Gene Mutation Database (HGMD: prior to June 1st, 2018), and was therefore a candidate for classification through an automated scoring system. Utilizing variant allele frequency, disease prevalence and penetrance estimates, and inheritance mode, an automated score was calculated to assess if this variant is too frequent to cause the disease. Based on the score and internal cut-off values, a variant classified as benign is not then subjected to further curation. The score for this variant resulted in a classification of benign for this disease.

Mayo Clinic Laboratories, Mayo Clinic
Classification: Benign. Last evaluated: 2017-07-19. Review status: criteria provided, single submitter. Criteria: ACMG Guidelines, 2015. Collection method: clinical testing. Allele origin: germline. Observed: 260 variant alleles.

GeneDx
Classification: Benign. Last evaluated: 2016-01-26. Review status: criteria provided, single submitter. Criteria: GeneDx Variant Classification (06012015). Collection method: clinical testing. Allele origin: germline. Affected: yes.
Comment: This variant is considered likely benign or benign based on one or more of the following criteria: it is a conservative change, it occurs at a poorly conserved position in the protein, it is predicted to be benign by multiple in silico algorithms, and/or has population frequency not consistent with disease.

Genetic Services Laboratory, University of Chicago
Classification: Benign for AllHighlyPenetrant. Last evaluated: 2013-08-15. Review status: criteria provided, single submitter. Criteria: ACMG Guidelines, 2007. Collection method: clinical testing. Allele origin: germline.

Eurofins Ntd Llc (ga)
Classification: Benign. Last evaluated: 2012-07-31. Review status: criteria provided, single submitter. Criteria: EGL Classification Definitions 2015. Collection method: clinical testing. Allele origin: germline. Observed: 35 variant alleles, 30 heterozygotes, 5 homozygotes.

Breakthrough Genomics
Classification: Benign. Review status: criteria provided, single submitter. Criteria: ACMG Guidelines, 2015. Collection method: not provided. Allele origin: germline. Inheritance: Autosomal recessive inheritance. Affected: yes.

PreventionGenetics, part of Exact Sciences
Classification: Benign. Review status: criteria provided, single submitter. Criteria: ACMG Guidelines, 2015. Collection method: clinical testing. Allele origin: germline.

Clinical Genetics, Academic Medical Center
Classification: Benign. Review status: no assertion criteria provided. Collection method: clinical testing. Allele origin: germline. Affected: yes. Study: VKGL Data-share Consensus. Not counted in ClinVar's aggregate classification.

Joint Genome Diagnostic Labs from Nijmegen and Maastricht, Radboudumc and MUMC+
Classification: Benign. Review status: no assertion criteria provided. Collection method: clinical testing. Allele origin: germline. Affected: yes. Study: VKGL Data-share Consensus. Not counted in ClinVar's aggregate classification.